The following is an entry in ClinVar:

ClinVar aggregate classification (germline): Likely benign. Review status: criteria provided, multiple submitters, no conflicts (2 of 4 stars). 8 submissions from 8 submitters: Likely benign (6). 2 of the submissions do not count toward it. Last evaluated 2025-04-17.

Conditions:
Aortic aneurysm, familial thoracic 4 (AAT4). Also called: AORTIC ANEURYSM/AORTIC DISSECTION AND PATENT DUCTUS ARTERIOSUS. Identifiers: MedGen C1851504, MONDO:0007568, OMIM 132900.
Familial thoracic aortic aneurysm and aortic dissection (TAAD). Also called: Thoracic aortic aneurysms and dissections. Identifiers: Orphanet 91387, MedGen C4707243, MONDO:0019625.

Allele frequency attached by ClinVar (database versions not stated): gnomAD exomes 0.00001 and 0.00002; TOPMed 0.00001; gnomAD 0.00002; ExAC 0.00005.
gnomAD v4.1: 19 of 1,609,498 alleles (0.0012%); highest among the groups gnomAD compares: Admixed American, 0.0051%; no homozygotes.

Submissions (8):

Women's Health and Genetics/Laboratory Corporation of America, LabCorp
Classification: Likely benign. Last evaluated: 2025-04-17. Review status: criteria provided, single submitter. Criteria: LabCorp Variant Classification Summary - May 2015. Collection method: clinical testing. Allele origin: germline.

Labcorp Genetics (formerly Invitae), Labcorp
Classification: Likely benign for Aortic aneurysm, familial thoracic 4. Last evaluated: 2024-12-02. Review status: criteria provided, single submitter. Criteria: Invitae Variant Classification Sherloc (09022015). Collection method: clinical testing. Allele origin: germline.

CeGaT Center for Human Genetics Tuebingen
Classification: Likely benign. Last evaluated: 2024-09-01. Review status: criteria provided, single submitter. Criteria: CeGaT Center For Human Genetics Tuebingen Variant Classification Criteria Version 2. Collection method: clinical testing. Allele origin: germline. Affected: yes. Observed: 1 variant allele.
Comment: MYH11: BP4, BP7

All of Us Research Program, National Institutes of Health
Classification: Likely benign for Familial thoracic aortic aneurysm and aortic dissection. Last evaluated: 2023-12-13. Review status: criteria provided, single submitter. Criteria: ACMG Guidelines, 2015. Collection method: clinical testing. Allele origin: germline. Inheritance: Autosomal dominant inheritance. Observed: 3 variant alleles, 3 heterozygotes.
Comment: This study involves interpretation of variants in research participants for the purpose of population health screening. Participant phenotype was not available at the time of variant classification. Additional details can be found in publication PMID: 35346344, PMCID: PMC8962531

Blueprint Genetics
Classification: Likely benign. Last evaluated: 2020-09-10. Review status: criteria provided, single submitter. Criteria: ACMG Guidelines, 2015. Collection method: clinical testing. Allele origin: germline.

Color Diagnostics, LLC DBA Color Health
Classification: Likely benign for Familial thoracic aortic aneurysm and aortic dissection. Last evaluated: 2019-11-20. Review status: criteria provided, single submitter. Criteria: ACMG Guidelines, 2015. Collection method: clinical testing. Allele origin: germline.

Clinical Genetics DNA and cytogenetics Diagnostics Lab, Erasmus MC, Erasmus Medical Center
Classification: Likely benign. Review status: no assertion criteria provided. Collection method: clinical testing. Allele origin: germline. Affected: yes. Study: VKGL Data-share Consensus. Not counted in ClinVar's aggregate classification.

Genome Diagnostics Laboratory, Amsterdam University Medical Center
Classification: Likely benign. Review status: no assertion criteria provided. Collection method: clinical testing. Allele origin: germline. Affected: yes. Study: VKGL Data-share Consensus. Not counted in ClinVar's aggregate classification.

NM_001040113.2(MYH11):c.5811G>C (p.Gly1937=)

Genes: MYH11 (myosin heavy chain 11; minus strand), NDE1 (nudE neurodevelopment protein 1; plus strand). Cytogenetic location: 16p13.11.
Variant type: single nucleotide variant.
Coding change: c.5811G>C on transcript NM_001040113.2 (MANE Plus Clinical); coding-DNA position 5811, G replaced by C.
Protein change: p.Gly1937=; no amino-acid change (glycine 1937 retained).
Molecular consequence: synonymous variant. On other transcripts: intron variant (4).
Genome position (GRCh38, 1-based): chr16:15,708,838, C>G on the plus strand (G>C on the coding strand, the complement: MYH11 is on the minus strand). VCF-style: chr16-15708838-C-G. GRCh37 (hg19) VCF-style: chr16-15802695-C-G.
Other names: c.5790G>C, p.Gly1930= (NM_022844.3); c.947+11978C>G (NM_001143979.2, NM_017668.3); c.5787-4715G>C (NM_002474.3); c.5808-4715G>C (NM_001040114.2).
Identifiers: ClinVar variation 927367 (VCV000927367.29), dbSNP rs778350253, ClinGen allele CA7921111.